The following is an entry in ClinVar:

ClinVar aggregate classification (germline): Uncertain significance (1 of 4 stars; one submission).

Conditions:
Hereditary cancer-predisposing syndrome. Also called: Neoplastic Syndromes, Hereditary; Tumor predisposition; Hereditary Cancer Syndrome; Hereditary neoplastic syndrome. Identifiers: Orphanet 140162, MedGen C0027672, MeSH D009386, MONDO:0015356.

Submission:

Ambry Genetics
Classification: Uncertain significance for Hereditary cancer-predisposing syndrome. Last evaluated: 2026-02-24. Review status: criteria provided, single submitter. Criteria: Ambry Variant Classification Scheme 2023. Collection method: clinical testing. Allele origin: germline.
Comment: The p.M799L variant (also known as c.2395A>T), located in coding exon 4 of the MSH6 gene, results from an A to T substitution at nucleotide position 2395. The methionine at codon 799 is replaced by leucine, an amino acid with highly similar properties. This amino acid position is conserved. In addition, the in silico prediction for this alteration is inconclusive. Based on the available evidence, the clinical significance of this variant remains unclear.

NM_000179.3(MSH6):c.2395A>T (p.Met799Leu)

Gene: MSH6 (mutS homolog 6; plus strand). Cytogenetic location: 2p16.3.
Variant type: single nucleotide variant.
Coding change: c.2395A>T on transcript NM_000179.3 (MANE Select); coding-DNA position 2395, A replaced by T.
Protein change: p.Met799Leu; replaces methionine 799 with leucine.
Molecular consequence: missense variant. On other transcripts: non-coding transcript variant (5), intron variant (3).
Genome position (GRCh38, 1-based): chr2:47,800,378, A>T. VCF-style: chr2-47800378-A-T. GRCh37 (hg19) VCF-style: chr2-48027517-A-T.
Other names: c.1489A>T, p.Met497Leu (NM_001406814.1, NM_001406815.1, NM_001406816.1 and 6 more transcripts); c.2098A>T, p.Met700Leu (NM_001406818.1, NM_001406819.1, NM_001406820.1 and 10 more transcripts); c.2005A>T, p.Met669Leu (NM_001281492.2); c.2491A>T, p.Met831Leu (NM_001406795.1, NM_001406802.1); c.2395A>T, p.Met799Leu (NM_001406796.1, NM_001406798.1, NM_001406800.1 and 2 more transcripts); c.1870A>T, p.Met624Leu (NM_001406799.1, NM_001406806.1, NM_001406807.1); c.2317A>T, p.Met773Leu (NM_001406804.1); c.2401A>T, p.Met801Leu (NM_001406813.1); and 4 more; short protein forms M497L, M700L, M624L, M669L, M743L, M773L, M831L, M801L.
Identifiers: ClinVar variation 4827446 (VCV004827446.1).